The following is an entry in ClinVar:

NM_014727.3(KMT2B):c.7349G>A (p.Arg2450Gln)

Gene: KMT2B (lysine methyltransferase 2B; plus strand). Cytogenetic location: 19q13.12.
Variant type: single nucleotide variant.
Coding change: c.7349G>A on transcript NM_014727.3 (MANE Select); coding-DNA position 7349, G replaced by A.
Protein change: p.Arg2450Gln; replaces arginine 2450 with glutamine.
Molecular consequence: missense variant.
Genome position (GRCh38, 1-based): chr19:35,736,963, G>A. VCF-style: chr19-35736963-G-A. GRCh37 (hg19) VCF-style: chr19-36227864-G-A.
Other names: c.7349G>A (NM_014727.1, NM_014727.2); short protein forms R2450Q.
Identifiers: ClinVar variation 2744191 (VCV002744191.5), dbSNP rs1296301139, ClinGen allele CA405436132.

ClinVar aggregate classification (germline): Conflicting classifications of pathogenicity. Review status: criteria provided, conflicting classifications (1 of 4 stars). 3 submissions from 3 submitters: Uncertain significance (2); Likely benign (1). Last evaluated 2025-06-07.

Conditions:
Inborn genetic diseases. Identifiers: MedGen C0950123, MeSH D030342.

Allele frequency attached by ClinVar (database versions not stated): gnomAD exomes 0.00001.

Submissions (3):

GeneDx
Classification: Uncertain significance. Last evaluated: 2025-06-07. Review status: criteria provided, single submitter. Criteria: GeneDx Variant Classification Process June 2021. Collection method: clinical testing. Allele origin: germline. Affected: yes.
Comment: Not observed at significant frequency in large population cohorts (gnomAD); In silico analysis supports that this missense variant has a deleterious effect on protein structure/function; Has not been previously published as pathogenic or benign to our knowledge

Ambry Genetics
Classification: Uncertain significance for Inborn genetic diseases. Last evaluated: 2024-12-23. Review status: criteria provided, single submitter. Criteria: Ambry Variant Classification Scheme 2023. Collection method: clinical testing. Allele origin: germline.

Labcorp Genetics (formerly Invitae), Labcorp
Classification: Likely benign. Last evaluated: 2023-12-07. Review status: criteria provided, single submitter. Criteria: Invitae Variant Classification Sherloc (09022015). Collection method: clinical testing. Allele origin: germline.